The following is an entry in ClinVar:

NM_001943.5(DSG2):c.2282A>C (p.Gln761Pro)

Genes: DSG2 (desmoglein 2; plus strand), DSG2-AS1 (DSG2 antisense RNA 1; minus strand). Cytogenetic location: 18q12.1.
Variant type: single nucleotide variant.
Coding change: c.2282A>C on transcript NM_001943.5 (MANE Select); coding-DNA position 2282, A replaced by C.
Protein change: p.Gln761Pro; replaces glutamine 761 with proline.
Molecular consequence: missense variant.
Genome position (GRCh38, 1-based): chr18:31,542,800, A>C. VCF-style: chr18-31542800-A-C. GRCh37 (hg19) VCF-style: chr18-29122763-A-C.
Other names: short protein forms Q761P.
Identifiers: ClinVar variation 3637550 (VCV003637550.2).

ClinVar aggregate classification (germline): Uncertain significance (1 of 4 stars; one submission).

Conditions:
Arrhythmogenic right ventricular dysplasia 10. Also called: Arrhythmogenic Right Ventricular Dysplasia/Cardiomyopathy10; Arrhythmogenic right ventricular dysplasia/cardiomyopathy, type 10; ARRHYTHMOGENIC RIGHT VENTRICULAR DYSPLASIA, FAMILIAL, 10. Identifiers: MedGen C1857777, MONDO:0012434, OMIM 610193.

Submission:

Labcorp Genetics (formerly Invitae), Labcorp
Classification: Uncertain significance for Arrhythmogenic right ventricular dysplasia 10. Last evaluated: 2024-08-12. Review status: criteria provided, single submitter. Criteria: Invitae Variant Classification Sherloc (09022015). Collection method: clinical testing. Allele origin: germline.
Comment: This sequence change replaces glutamine, which is neutral and polar, with proline, which is neutral and non-polar, at codon 761 of the DSG2 protein (p.Gln761Pro). This variant is not present in population databases (gnomAD no frequency). This variant has not been reported in the literature in individuals affected with DSG2-related conditions. Advanced modeling of protein sequence and biophysical properties (such as structural, functional, and spatial information, amino acid conservation, physicochemical variation, residue mobility, and thermodynamic stability) performed at Invitae indicates that this missense variant is not expected to disrupt DSG2 protein function with a negative predictive value of 95%. In summary, the available evidence is currently insufficient to determine the role of this variant in disease. Therefore, it has been classified as a Variant of Uncertain Significance.